The following is an entry in ClinVar:

ClinVar aggregate classification (germline): Benign (1 of 4 stars; one submission).

Allele frequency attached by ClinVar (database versions not stated): TOPMed 0.46128; gnomAD 0.46638; 1000 Genomes Project 30x 0.48954; 1000 Genomes Project 0.49760.
gnomAD v4.1: 69,573 of 151,954 alleles (46%); highest among the groups gnomAD compares: East Asian, 78%; 16,595 homozygotes.

Submission:

GeneDx
Classification: Benign. Last evaluated: 2018-06-14. Review status: criteria provided, single submitter. Criteria: GeneDx Variant Classification (06012015). Collection method: clinical testing. Allele origin: germline. Affected: yes.
Comment: This variant is considered likely benign or benign based on one or more of the following criteria: it is a conservative change, it occurs at a poorly conserved position in the protein, it is predicted to be benign by multiple in silico algorithms, and/or has population frequency not consistent with disease.

NM_144736.5(NDUFAF7):c.408+299A>G

Gene: NDUFAF7 (NADH:ubiquinone oxidoreductase complex assembly factor 7; plus strand). Cytogenetic location: 2p22.2.
Variant type: single nucleotide variant.
Coding change: c.408+299A>G on transcript NM_144736.5 (MANE Select); 299 bases into the intron after coding-DNA position 408, A replaced by G.
Molecular consequence: intron variant.
Genome position (GRCh38, 1-based): chr2:37,238,166, A>G. VCF-style: chr2-37238166-A-G. GRCh37 (hg19) VCF-style: chr2-37465309-A-G.
Other names: c.408+299A>G (NM_001350024.2, NM_001350027.2); c.327+299A>G (NM_001350025.2, NM_001083946.2).
Identifiers: ClinVar variation 682731 (VCV000682731.1), dbSNP rs7560904, ClinGen allele CA16094941.